The following is an entry in ClinVar:

ClinVar aggregate classification (germline): Conflicting classifications of pathogenicity. Review status: criteria provided, conflicting classifications (1 of 4 stars). 3 submissions from 3 submitters: Uncertain significance (1); Likely benign (2). Last evaluated 2026-01-26.

Conditions:
Hereditary cancer-predisposing syndrome. Also called: Neoplastic Syndromes, Hereditary; Tumor predisposition; Hereditary Cancer Syndrome; Hereditary neoplastic syndrome. Identifiers: Orphanet 140162, MedGen C0027672, MeSH D009386, MONDO:0015356.

Submissions (3):

Labcorp Genetics (formerly Invitae), Labcorp
Classification: Likely benign. Last evaluated: 2026-01-26. Review status: criteria provided, single submitter. Criteria: Invitae Variant Classification Sherloc (09022015). Collection method: clinical testing. Allele origin: germline.

Sema4
Classification: Uncertain significance for Hereditary cancer-predisposing syndrome. Last evaluated: 2021-04-07. Review status: criteria provided, single submitter. Criteria: Sema4 Curation Guidelines. Collection method: curation. Allele origin: germline.
Comment: The POLE c.3267C>T (p.V1089=) variant has not been reported in the literature to our knowledge. It was not observed in the large and broad cohorts of the Genome Aggregation Database. The variant has been reported in ClinVar (Variation ID: 473582). The variant involves moderately conserved nucleotide. In silico tools via Alamut calculate elimination of binding sites for exonic splicing enhancers, however the effect of this prediction has not been functionally validated. There is no indication that this variant causes disease, but the evidence is insufficient currently to prove that conclusively. Thus, the clinical significance of this variant is currently uncertain.

Ambry Genetics
Classification: Likely benign for Hereditary cancer-predisposing syndrome. Last evaluated: 2017-12-19. Review status: criteria provided, single submitter. Criteria: Ambry Variant Classification Scheme 2023. Collection method: clinical testing. Allele origin: germline.

NM_006231.4(POLE):c.3267C>T (p.Val1089=)

Gene: POLE (DNA polymerase epsilon, catalytic subunit; minus strand). Cytogenetic location: 12q24.33.
Variant type: single nucleotide variant.
Coding change: c.3267C>T on transcript NM_006231.4 (MANE Select); coding-DNA position 3267, C replaced by T.
Protein change: p.Val1089=; no amino-acid change (valine 1089 retained).
Molecular consequence: synonymous variant.
Genome position (GRCh38, 1-based): chr12:132,659,303, G>A on the plus strand (C>T on the coding strand, the complement: POLE is on the minus strand). VCF-style: chr12-132659303-G-A. GRCh37 (hg19) VCF-style: chr12-133235889-G-A.
Identifiers: ClinVar variation 473582 (VCV000473582.12), dbSNP rs1555225636, ClinGen allele CA482732990.